The following is an entry in ClinVar:

ClinVar aggregate classification (germline): Uncertain significance (1 of 4 stars; one submission).

Conditions:
Cardiovascular phenotype. Identifiers: MedGen CN230736.

Submission:

Ambry Genetics
Classification: Uncertain significance for Cardiovascular phenotype. Last evaluated: 2025-11-30. Review status: criteria provided, single submitter. Criteria: Ambry Variant Classification Scheme 2023. Collection method: clinical testing. Allele origin: germline.
Comment: The p.D311V variant (also known as c.932A>T), located in coding exon 6 of the CBL gene, results from an A to T substitution at nucleotide position 932. The aspartic acid at codon 311 is replaced by valine, an amino acid with highly dissimilar properties. This amino acid position is conserved. In addition, this alteration is predicted to be deleterious by in silico analysis. Based on the available evidence, the clinical significance of this variant remains unclear.

NM_005188.4(CBL):c.932A>T (p.Asp311Val)

Gene: CBL (Cbl proto-oncogene; plus strand). Cytogenetic location: 11q23.3.
Variant type: single nucleotide variant.
Coding change: c.932A>T on transcript NM_005188.4 (MANE Select); coding-DNA position 932, A replaced by T.
Protein change: p.Asp311Val; replaces aspartic acid 311 with valine.
Molecular consequence: missense variant.
Genome position (GRCh38, 1-based): chr11:119,276,059, A>T. VCF-style: chr11-119276059-A-T. GRCh37 (hg19) VCF-style: chr11-119146769-A-T.
Other names: short protein forms D311V.
Identifiers: ClinVar variation 4613887 (VCV004613887.1).